The following is an entry in ClinVar:

NM_025099.6(CTC1):c.1617A>G (p.Lys539=)

Gene: CTC1 (CST telomere replication complex component 1; minus strand). Cytogenetic location: 17p13.1.
Variant type: single nucleotide variant.
Coding change: c.1617A>G on transcript NM_025099.6 (MANE Select); coding-DNA position 1617, A replaced by G.
Protein change: p.Lys539=; no amino-acid change (lysine 539 retained).
Molecular consequence: synonymous variant. On other transcripts: non-coding transcript variant (1).
Genome position (GRCh38, 1-based): chr17:8,234,749, T>C on the plus strand (A>G on the coding strand, the complement: CTC1 is on the minus strand). VCF-style: chr17-8234749-T-C. GRCh37 (hg19) VCF-style: chr17-8138067-T-C.
Other names: c.1617A>G, p.Lys539= (NM_001411067.1).
Identifiers: ClinVar variation 1984322 (VCV001984322.4), dbSNP rs1267457675, ClinGen allele CA497959379.

ClinVar aggregate classification (germline): Uncertain significance (1 of 4 stars; one submission).

Conditions:
Dyskeratosis congenita. Identifiers: Orphanet 1775, MedGen C0265965, MONDO:0015780.

Allele frequency attached by ClinVar (database versions not stated): gnomAD exomes below 0.00001; TOPMed 0.00001.
gnomAD v4.1: 1 of 1,587,892 alleles (0.000063%); highest among the groups gnomAD compares: Non-Finnish European, 0.000086%; no homozygotes.

Submission:

Labcorp Genetics (formerly Invitae), Labcorp
Classification: Uncertain significance for Dyskeratosis congenita. Last evaluated: 2022-07-08. Review status: criteria provided, single submitter. Criteria: Invitae Variant Classification Sherloc (09022015). Collection method: clinical testing. Allele origin: germline.
Comment: This sequence change affects codon 539 of the CTC1 mRNA. It is a 'silent' change, meaning that it does not change the encoded amino acid sequence of the CTC1 protein. It affects a nucleotide within the consensus splice site. This variant is not present in population databases (gnomAD no frequency). This variant has not been reported in the literature in individuals affected with CTC1-related conditions. Algorithms developed to predict the effect of sequence changes on RNA splicing suggest that this variant may create or strengthen a splice site. In summary, the available evidence is currently insufficient to determine the role of this variant in disease. Therefore, it has been classified as a Variant of Uncertain Significance.